The following is an entry in ClinVar:

NM_015991.4(C1QA):c.610G>A (p.Gly204Ser)

Gene: C1QA (complement C1q A chain; plus strand). Cytogenetic location: 1p36.12.
Variant type: single nucleotide variant.
Coding change: c.610G>A on transcript NM_015991.4 (MANE Select); coding-DNA position 610, G replaced by A.
Protein change: p.Gly204Ser; replaces glycine 204 with serine.
Molecular consequence: missense variant.
Genome position (GRCh38, 1-based): chr1:22,639,279, G>A. VCF-style: chr1-22639279-G-A. GRCh37 (hg19) VCF-style: chr1-22965772-G-A.
Other names: c.610G>A, p.Gly204Ser (NM_001347465.2, NM_001347466.2); short protein forms G204S.
Identifiers: ClinVar variation 1965750 (VCV001965750.5), dbSNP rs2522184562, ClinGen allele CA338930776.
Genomic context (GRCh38, chr1:22,639,279, plus strand): 5'-CGACGCTCCCTGGGCTTCTGTGACACCACCAACAAGGGGCTCTTCCAGGTGGTGTCAGGG[G>A]GCATGGTGCTTCAGCTGCAGCAGGGTGACCAGGTCTGGGTTGAAAAAGACCCCAAAAAGG-3'
Protein context (NP_057075.1, residues 194-214): NKGLFQVVSG[Gly204Ser]MVLQLQQGDQ

ClinVar aggregate classification (germline): Uncertain significance (1 of 4 stars; one submission).

Allele frequency attached by ClinVar (database versions not stated): gnomAD exomes below 0.00001.
gnomAD v4.1: 1 of 1,614,122 alleles (0.000062%); highest among the groups gnomAD compares: Non-Finnish European, 0.000085%; no homozygotes.

Submission:

Labcorp Genetics (formerly Invitae), Labcorp
Classification: Uncertain significance. Last evaluated: 2022-10-28. Review status: criteria provided, single submitter. Criteria: Invitae Variant Classification Sherloc (09022015). Collection method: clinical testing. Allele origin: germline.
Comment: In summary, the available evidence is currently insufficient to determine the role of this variant in disease. Therefore, it has been classified as a Variant of Uncertain Significance. Algorithms developed to predict the effect of missense changes on protein structure and function output the following: SIFT: "Tolerated"; PolyPhen-2: "Possibly Damaging"; Align-GVGD: "Class C0". The serine amino acid residue is found in multiple mammalian species, which suggests that this missense change does not adversely affect protein function. This variant has not been reported in the literature in individuals affected with C1QA-related conditions. This variant is not present in population databases (gnomAD no frequency). This sequence change replaces glycine, which is neutral and non-polar, with serine, which is neutral and polar, at codon 204 of the C1QA protein (p.Gly204Ser).